The following is an entry in ClinVar:

ClinVar aggregate classification (germline): Uncertain significance (1 of 4 stars; one submission).

Conditions:
Developmental and epileptic encephalopathy 94 (DEE94). Also called: Epileptic encephalopathy, childhood-onset; CHD2-Related Neurodevelopmental Disorders. Identifiers: Orphanet 1942, Orphanet 2382, MedGen C3809278, MONDO:0014150, OMIM 615369.

Submission:

Labcorp Genetics (formerly Invitae), Labcorp
Classification: Uncertain significance for Developmental and epileptic encephalopathy 94. Last evaluated: 2023-02-14. Review status: criteria provided, single submitter. Criteria: Invitae Variant Classification Sherloc (09022015). Collection method: clinical testing. Allele origin: germline.
Comment: In summary, the available evidence is currently insufficient to determine the role of this variant in disease. Therefore, it has been classified as a Variant of Uncertain Significance. Advanced modeling of protein sequence and biophysical properties (such as structural, functional, and spatial information, amino acid conservation, physicochemical variation, residue mobility, and thermodynamic stability) performed at Invitae indicates that this missense variant is not expected to disrupt CHD2 protein function. This variant has not been reported in the literature in individuals affected with CHD2-related conditions. This variant is not present in population databases (gnomAD no frequency). This sequence change replaces glycine, which is neutral and non-polar, with aspartic acid, which is acidic and polar, at codon 163 of the CHD2 protein (p.Gly163Asp).

NM_001271.4(CHD2):c.488G>A (p.Gly163Asp)

Gene: CHD2 (chromodomain helicase DNA binding protein 2; plus strand). Cytogenetic location: 15q26.1.
Variant type: single nucleotide variant.
Coding change: c.488G>A on transcript NM_001271.4 (MANE Select); coding-DNA position 488, G replaced by A.
Protein change: p.Gly163Asp; replaces glycine 163 with aspartic acid.
Molecular consequence: missense variant.
Genome position (GRCh38, 1-based): chr15:92,937,562, G>A. VCF-style: chr15-92937562-G-A. GRCh37 (hg19) VCF-style: chr15-93480792-G-A.
Other names: c.488G>A, p.Gly163Asp (NM_001042572.3); short protein forms G163D.
Identifiers: ClinVar variation 2837539 (VCV002837539.3), dbSNP rs2505426523, ClinGen allele CA393899678.